The following is an entry in ClinVar:

NM_000179.3(MSH6):c.4006_4008dup (p.Val1336dup)

Gene: MSH6 (mutS homolog 6; plus strand). Cytogenetic location: 2p16.3.
Variant type: Duplication.
Coding change: c.4006_4008dup on transcript NM_000179.3 (MANE Select); coding-DNA positions 4006 to 4008, 3 bases duplicated (GTT; older notation c.4006_4008dupGTT).
Protein change: p.Val1336dup; duplicates valine 1336.
Molecular consequence: inframe insertion.
Genome position (GRCh38, 1-based): chr2:47,806,783-47,806,785, GTT duplicated. VCF-style (leftmost placement, unchanged base first): chr2-47806782-A-AGTT. GRCh37 (hg19) VCF-style: chr2-48033921-A-AGTT.
Other names: c.3616_3618dup, p.Val1206dup (NM_001281492.2); c.3100_3102dup, p.Val1034dup (NM_001281493.2, NM_001281494.2).
Identifiers: ClinVar variation 1057887 (VCV001057887.9), dbSNP rs2104579268, ClinGen allele CA2499216156.

ClinVar aggregate classification (germline): Uncertain significance (1 of 4 stars; one submission).

Conditions:
Hereditary nonpolyposis colorectal neoplasms. Identifiers: MedGen C0009405, MeSH D003123.

Submission:

Labcorp Genetics (formerly Invitae), Labcorp
Classification: Uncertain significance for Hereditary nonpolyposis colorectal neoplasms. Last evaluated: 2020-01-28. Review status: criteria provided, single submitter. Criteria: Invitae Variant Classification Sherloc (09022015). Collection method: clinical testing. Allele origin: germline.
Comment: In summary, the available evidence is currently insufficient to determine the role of this variant in disease. Therefore, it has been classified as a Variant of Uncertain Significance. Experimental studies and prediction algorithms are not available or were not evaluated, and the functional significance of this variant is currently unknown. This variant has not been reported in the literature in individuals with MSH6-related conditions. This variant is not present in population databases (ExAC no frequency). This variant, c.4006_4008dup, results in the insertion of 1 amino acid(s) to the MSH6 protein (p.Val1336dup), but otherwise preserves the integrity of the reading frame.